The following is an entry in ClinVar:

NM_004958.4(MTOR):c.4887C>G (p.Ile1629Met)

Gene: MTOR (mechanistic target of rapamycin kinase; minus strand). Cytogenetic location: 1p36.22.
Variant type: single nucleotide variant.
Coding change: c.4887C>G on transcript NM_004958.4 (MANE Select); coding-DNA position 4887, C replaced by G.
Protein change: p.Ile1629Met; replaces isoleucine 1629 with methionine.
Molecular consequence: missense variant.
Genome position (GRCh38, 1-based): chr1:11,139,644, G>C on the plus strand (C>G on the coding strand, the complement: MTOR is on the minus strand). VCF-style: chr1-11139644-G-C. GRCh37 (hg19) VCF-style: chr1-11199701-G-C.
Other names: c.4887C>G, p.Ile1629Met (NM_001386500.1); c.3639C>G, p.Ile1213Met (NM_001386501.1); c.4887C>G (NM_004958.3); short protein forms I1629M, I1213M.
Identifiers: ClinVar variation 1432938 (VCV001432938.9), dbSNP rs186504696, ClinGen allele CA338402481.
Genomic context (GRCh38, chr1:11,139,644, plus strand): 5'-GTCTTCATGAGGGCTGACCACAAGGGACCGCACCATAAGGATTTTCTGCCAGTCCTCTAC[G>C]ATACGCTGGCAGCCCTGGAACATTCAGAAGTGAAGATTAGATATGTCTTCTGATACATTG-3'
Protein context (NP_004949.1, residues 1619-1639): WWERLQGCQR[Ile1629Met]VEDWQKILMV

ClinVar aggregate classification (germline): Uncertain significance. Review status: criteria provided, multiple submitters, no conflicts (2 of 4 stars). 2 submissions from 2 submitters: Uncertain significance (2). Last evaluated 2025-05-14.

gnomAD v4.1: 5 of 1,614,056 alleles (0.00031%); highest among the groups gnomAD compares: African/African-American, 0.0027%; no homozygotes.

Submissions (2):

GeneDx
Classification: Uncertain significance. Last evaluated: 2025-05-14. Review status: criteria provided, single submitter. Criteria: GeneDx Variant Classification Process June 2021. Collection method: clinical testing. Allele origin: germline. Affected: yes.
Comment: In silico analysis supports that this missense variant does not alter protein structure/function; Has not been previously published as pathogenic or benign to our knowledge

Labcorp Genetics (formerly Invitae), Labcorp
Classification: Uncertain significance. Last evaluated: 2022-07-25. Review status: criteria provided, single submitter. Criteria: Invitae Variant Classification Sherloc (09022015). Collection method: clinical testing. Allele origin: germline.
Comment: ClinVar contains an entry for this variant (Variation ID: 1432938). This variant has not been reported in the literature in individuals affected with MTOR-related conditions. This variant is present in population databases (no rsID available, gnomAD 0.01%). This sequence change replaces isoleucine, which is neutral and non-polar, with methionine, which is neutral and non-polar, at codon 1629 of the MTOR protein (p.Ile1629Met). Algorithms developed to predict the effect of missense changes on protein structure and function are either unavailable or do not agree on the potential impact of this missense change (SIFT: "Tolerated"; PolyPhen-2: "Possibly Damaging"; Align-GVGD: "Class C0"). In summary, the available evidence is currently insufficient to determine the role of this variant in disease. Therefore, it has been classified as a Variant of Uncertain Significance.